The following is an entry in ClinVar:

ClinVar aggregate classification (germline): Uncertain significance. Review status: criteria provided, multiple submitters, no conflicts (2 of 4 stars). 2 submissions from 2 submitters: Uncertain significance (2). Last evaluated 2024-03-23.

Allele frequency attached by ClinVar (database versions not stated): gnomAD exomes 0.00001.
gnomAD v4.1: 4 of 1,614,156 alleles (0.00025%); highest among the groups gnomAD compares: South Asian, 0.0022%; no homozygotes.

Submissions (2):

Labcorp Genetics (formerly Invitae), Labcorp
Classification: Uncertain significance. Last evaluated: 2024-03-23. Review status: criteria provided, single submitter. Criteria: Invitae Variant Classification Sherloc (09022015). Collection method: clinical testing. Allele origin: germline.
Comment: This sequence change replaces isoleucine, which is neutral and non-polar, with valine, which is neutral and non-polar, at codon 1284 of the NPAT protein (p.Ile1284Val). This variant is present in population databases (no rsID available, gnomAD 0.003%). This variant has not been reported in the literature in individuals affected with NPAT-related conditions. ClinVar contains an entry for this variant (Variation ID: 1735523). An algorithm developed to predict the effect of missense changes on protein structure and function (PolyPhen-2) suggests that this variant is likely to be tolerated. In summary, the available evidence is currently insufficient to determine the role of this variant in disease. Therefore, it has been classified as a Variant of Uncertain Significance.

Ambry Genetics
Classification: Uncertain significance. Last evaluated: 2022-07-15. Review status: criteria provided, single submitter. Criteria: Ambry Variant Classification Scheme 2023. Collection method: clinical testing. Allele origin: germline.
Comment: The p.I1284V variant (also known as c.3850A>G), located in coding exon 17 of the NPAT gene, results from an A to G substitution at nucleotide position 3850. The isoleucine at codon 1284 is replaced by valine, an amino acid with highly similar properties. This amino acid position is conserved. In addition, this alteration is predicted to be tolerated by in silico analysis. Since supporting evidence is limited at this time, the clinical significance of this alteration remains unclear.

NM_002519.3(NPAT):c.3850A>G (p.Ile1284Val)

Gene: NPAT (nuclear protein, coactivator of histone transcription; minus strand). Cytogenetic location: 11q22.3.
Variant type: single nucleotide variant.
Coding change: c.3850A>G on transcript NM_002519.3 (MANE Select); coding-DNA position 3850, A replaced by G.
Protein change: p.Ile1284Val; replaces isoleucine 1284 with valine.
Molecular consequence: missense variant.
Genome position (GRCh38, 1-based): chr11:108,161,236, T>C on the plus strand (A>G on the coding strand, the complement: NPAT is on the minus strand). VCF-style: chr11-108161236-T-C. GRCh37 (hg19) VCF-style: chr11-108031963-T-C.
Other names: c.3871A>G, p.Ile1291Val (NM_001321307.1); short protein forms I1284V, I1291V.
Identifiers: ClinVar variation 1735523 (VCV001735523.4), dbSNP rs1419215239, ClinGen allele CA382509912.